The following is an entry in ClinVar:

ClinVar aggregate classification (germline): Uncertain significance (1 of 4 stars; one submission).

Allele frequency attached by ClinVar (database versions not stated): gnomAD 0.00001; gnomAD exomes 0.00001; ExAC 0.00002; TOPMed 0.00002.
gnomAD v4.1: 17 of 1,614,088 alleles (0.0011%); highest among the groups gnomAD compares: Admixed American, 0.02%; no homozygotes.

Submission:

Labcorp Genetics (formerly Invitae), Labcorp
Classification: Uncertain significance. Last evaluated: 2024-09-30. Review status: criteria provided, single submitter. Criteria: Invitae Variant Classification Sherloc (09022015). Collection method: clinical testing. Allele origin: germline.
Comment: This sequence change replaces aspartic acid, which is acidic and polar, with histidine, which is basic and polar, at codon 1563 of the CEP152 protein (p.Asp1563His). This variant is present in population databases (rs776993375, gnomAD 0.03%). This variant has not been reported in the literature in individuals affected with CEP152-related conditions. ClinVar contains an entry for this variant (Variation ID: 2175538). An algorithm developed to predict the effect of missense changes on protein structure and function (PolyPhen-2) suggests that this variant is likely to be tolerated. In summary, the available evidence is currently insufficient to determine the role of this variant in disease. Therefore, it has been classified as a Variant of Uncertain Significance.

NM_001194998.2(CEP152):c.4855G>C (p.Asp1619His)

Gene: CEP152 (centrosomal protein 152; minus strand). Cytogenetic location: 15q21.1.
Variant type: single nucleotide variant.
Coding change: c.4855G>C on transcript NM_001194998.2 (MANE Select); coding-DNA position 4855, G replaced by C.
Protein change: p.Asp1619His; replaces aspartic acid 1619 with histidine.
Molecular consequence: missense variant.
Genome position (GRCh38, 1-based): chr15:48,738,527, C>G on the plus strand (G>C on the coding strand, the complement: CEP152 is on the minus strand). VCF-style: chr15-48738527-C-G. GRCh37 (hg19) VCF-style: chr15-49030724-C-G.
Other names: c.4687G>C, p.Asp1563His (NM_014985.4); short protein forms D1563H, D1619H.
Identifiers: ClinVar variation 2175538 (VCV002175538.3), dbSNP rs776993375, ClinGen allele CA7548025.